The following is an entry in ClinVar:

NM_001098.3(ACO2):c.1356del (p.Ile452fs)

Gene: ACO2 (aconitase 2; plus strand). Cytogenetic location: 22q13.2.
Variant type: Deletion.
Coding change: c.1356del on transcript NM_001098.3 (MANE Select); coding-DNA position 1356, one base deleted (T; older notation c.1356delT).
Protein change: p.Ile452fs; shifts the reading frame from isoleucine 452.
Molecular consequence: frameshift variant.
Genome position (GRCh38, 1-based): chr22:41,523,264, T deleted; the last of 2 consecutive T bases (chr22:41,523,263-41,523,264); deleting either gives the same sequence. VCF-style (leftmost placement, unchanged base first): chr22-41523262-AT-A. GRCh37 (hg19) VCF-style: chr22-41919266-AT-A.
Other names: short protein forms I452fs.
Identifiers: ClinVar variation 1998453 (VCV001998453.4), dbSNP rs2518230292, ClinGen allele CA2580099841.
Genomic context (GRCh38, chr22:41,523,262, plus strand): 5'-CAGGCACAGATCTTGAGGGATCTGGGTGGCATTGTCCTGGCCAATGCTTGTGGCCCCTGC[AT>A]TGGCCAGTGGGACAGGTAAGAGGCGTATCTTTTGACAAGACAGCCCCTTGTGCACAGGGT-3'

ClinVar aggregate classification (germline): Pathogenic (1 of 4 stars; one submission).

Submission:

Labcorp Genetics (formerly Invitae), Labcorp
Classification: Pathogenic. Last evaluated: 2022-08-31. Review status: criteria provided, single submitter. Criteria: Invitae Variant Classification Sherloc (09022015). Collection method: clinical testing. Allele origin: germline.
Comment: This variant has not been reported in the literature in individuals affected with ACO2-related conditions. For these reasons, this variant has been classified as Pathogenic. This variant is not present in population databases (gnomAD no frequency). This sequence change creates a premature translational stop signal (p.Ile452Metfs*63) in the ACO2 gene. It is expected to result in an absent or disrupted protein product. Loss-of-function variants in ACO2 are known to be pathogenic (PMID: 30689204, 32519519).

Literature cited by the submitters: PubMed 30689204; PubMed 32519519.